The following is an entry in ClinVar:

NM_005634.3(SOX3):c.717_725del (p.Ala246_Ala248del)

Gene: SOX3 (SRY-box transcription factor 3; minus strand). Cytogenetic location: Xq27.1.
Variant type: Deletion.
Coding change: c.717_725del on transcript NM_005634.3 (MANE Select); coding-DNA positions 717 to 725, 9 bases deleted (CGCTGCCGC; older notation c.717_725delCGCTGCCGC).
Protein change: p.Ala246_Ala248del.
Molecular consequence: inframe deletion.
Genome position (GRCh38, 1-based): chrX:140,504,336-140,504,344, GCGGCAGCG deleted on the plus strand (CGCTGCCGC on the coding strand, the reverse complement: SOX3 is on the minus strand); deleting any 9 consecutive bases within chrX:140,504,336-140,504,349 gives the same sequence; the c. name uses the placement nearest the transcript's 3' end. VCF-style (leftmost placement, unchanged base first): chrX-140504335-CGCGGCAGCG-C. GRCh37 (hg19) VCF-style: chrX-139586500-CGCGGCAGCG-C.
Identifiers: ClinVar variation 2755214 (VCV002755214.3), dbSNP rs2520866513, ClinGen allele CA2697544797.

ClinVar aggregate classification (germline): Uncertain significance (1 of 4 stars; one submission).

Submission:

Labcorp Genetics (formerly Invitae), Labcorp
Classification: Uncertain significance. Last evaluated: 2023-08-25. Review status: criteria provided, single submitter. Criteria: Invitae Variant Classification Sherloc (09022015). Collection method: clinical testing. Allele origin: germline.
Comment: This variant, c.717_725del, results in the deletion of 3 amino acid(s) of the SOX3 protein (p.Ala246_Ala248del), but otherwise preserves the integrity of the reading frame. This variant is not present in population databases (gnomAD no frequency). This variant has not been reported in the literature in individuals affected with SOX3-related conditions. Experimental studies and prediction algorithms are not available or were not evaluated, and the functional significance of this variant is currently unknown. In summary, the available evidence is currently insufficient to determine the role of this variant in disease. Therefore, it has been classified as a Variant of Uncertain Significance.